The following is an entry in ClinVar:

NM_006946.4(SPTBN2):c.5939C>A (p.Ala1980Glu)

Gene: SPTBN2 (spectrin beta, non-erythrocytic 2; minus strand). Cytogenetic location: 11q13.2.
Variant type: single nucleotide variant.
Coding change: c.5939C>A on transcript NM_006946.4 (MANE Select); coding-DNA position 5939, C replaced by A.
Protein change: p.Ala1980Glu; replaces alanine 1980 with glutamic acid.
Molecular consequence: missense variant.
Genome position (GRCh38, 1-based): chr11:66,689,815, G>T on the plus strand (C>A on the coding strand, the complement: SPTBN2 is on the minus strand). VCF-style: chr11-66689815-G-T. GRCh37 (hg19) VCF-style: chr11-66457286-G-T.
Other names: short protein forms A1980E.
Identifiers: ClinVar variation 586486 (VCV000586486.2), dbSNP rs750934185, ClinGen allele CA6128110.

ClinVar aggregate classification (germline): Uncertain significance. Review status: criteria provided, multiple submitters, no conflicts (2 of 4 stars). 2 submissions from 2 submitters: Uncertain significance (2). Last evaluated 2018-03-12.

Conditions:
Autosomal recessive spinocerebellar ataxia 14. Also called: CEREBELLAR ATAXIA, AUTOSOMAL RECESSIVE, SPECTRIN-ASSOCIATED, 1. Identifiers: Orphanet 352403, MedGen C4706415, MONDO:0014159, OMIM 615386.

Allele frequency attached by ClinVar (database versions not stated): ExAC 0.00003; gnomAD exomes 0.00003.
gnomAD v4.1: 24 of 1,613,470 alleles (0.0015%); highest among the groups gnomAD compares: Middle Eastern, 0.034%; no homozygotes.

Submissions (2):

Athena Diagnostics
Classification: Uncertain significance. Last evaluated: 2018-03-12. Review status: criteria provided, single submitter. Criteria: Athena Diagnostics Criteria. Collection method: clinical testing. Allele origin: germline.

Neuberg Centre For Genomic Medicine, NCGM
Classification: Uncertain significance for Autosomal recessive spinocerebellar ataxia 14. Review status: criteria provided, single submitter. Criteria: ACMG Guidelines, 2015. Collection method: clinical testing. Allele origin: germline. Inheritance: Autosomal recessive inheritance. Affected: yes.
Comment: The missense variant c.5939C>A (p.Ala1980Glu) in SPTBN2 has been submitted to ClinVar as a Variant of Uncertain Significance. The p.Ala1980Glu is reported with the allele frequency (0.0032%) in the gnomad and novel in 1000 genome database. The amino acid Ala at position 1980 is changed to a Glu changing protein sequence and it might alter its composition and physico-chemical properties. The amino acid change p.Ala1980Glu in SPTBN2 is predicted as conserved by GERP++ and PhyloP across 100 vertebrates. For these reasons, this variant has been classified as Uncertain Significance (VUS).